The following is an entry in ClinVar:

NM_018082.6(POLR3B):c.2023C>A (p.Pro675Thr)

Gene: POLR3B (RNA polymerase III subunit B; plus strand). Cytogenetic location: 12q23.3.
Variant type: single nucleotide variant.
Coding change: c.2023C>A on transcript NM_018082.6 (MANE Select); coding-DNA position 2023, C replaced by A.
Protein change: p.Pro675Thr; replaces proline 675 with threonine.
Molecular consequence: missense variant.
Genome position (GRCh38, 1-based): chr12:106,444,530, C>A. VCF-style: chr12-106444530-C-A. GRCh37 (hg19) VCF-style: chr12-106838308-C-A.
Other names: c.1849C>A, p.Pro617Thr (NM_001160708.2); short protein forms P617T, P675T.
Identifiers: ClinVar variation 4879457 (VCV004879457.1).

ClinVar aggregate classification (germline): Uncertain significance (1 of 4 stars; one submission).

Conditions:
Congenital hypogonadotropic hypogonadism. Identifiers: Orphanet 174590, MedGen C3899503, MONDO:0015770.

Submission:

Department of Pediatrics, Asan Medical Center, University of Ulsan College of Medicine
Classification: Uncertain significance for Congenital hypogonadotropic hypogonadism. Last evaluated: 2026-07-19. Review status: criteria provided, single submitter. Criteria: ACMG Guidelines, 2015. Collection method: research. Allele origin: germline. Inheritance: Autosomal recessive inheritance. Affected: yes. Observed: 1 heterozygote.
Comment: ACMG/AMP evidence codes: PM2_Supporting, PP2, PP3. In silico predictions: CADD 27.6, PolyPhen-2 probably damaging, SIFT damaging, REVEL 0.832, MutationTaster disease causing. Not found in gnomAD. Novel variant.